The following is an entry in ClinVar:

ClinVar aggregate classification (germline): Uncertain significance (1 of 4 stars; one submission).

Conditions:
Cardiomyopathy (CMYO). Also called: Cardiomyopathies. Identifiers: Orphanet 167848, MedGen C0878544, MONDO:0004994, HP:0001638. Inheritance: Various modes of inheritance.

Submission:

Color Diagnostics, LLC DBA Color Health
Classification: Uncertain significance for Cardiomyopathy. Last evaluated: 2025-06-29. Review status: criteria provided, single submitter. Criteria: ACMG Guidelines, 2015. Collection method: clinical testing. Allele origin: germline.
Comment: This missense variant replaces valine with isoleucine at codon 1025 of the MYH7 protein. Computational prediction suggests that this variant may not impact protein structure and function. To our knowledge, functional studies have not been reported for this variant. This variant has not been reported in individuals affected with MYH7-related disorders in the literature. This variant has not been identified in the general population by the Genome Aggregation Database (gnomAD). The available evidence is insufficient to determine the role of this variant in disease conclusively. Therefore, this variant is classified as a Variant of Uncertain Significance.

NM_000257.4(MYH7):c.3073G>A (p.Val1025Ile)

Gene: MYH7 (myosin heavy chain 7; minus strand). Cytogenetic location: 14q11.2.
Variant type: single nucleotide variant.
Coding change: c.3073G>A on transcript NM_000257.4 (MANE Select); coding-DNA position 3073, G replaced by A.
Protein change: p.Val1025Ile; replaces valine 1025 with isoleucine.
Molecular consequence: missense variant.
Genome position (GRCh38, 1-based): chr14:23,423,573, C>T on the plus strand (G>A on the coding strand, the complement: MYH7 is on the minus strand). VCF-style: chr14-23423573-C-T. GRCh37 (hg19) VCF-style: chr14-23892782-C-T.
Other names: c.3073G>A, p.Val1025Ile (NM_001407004.1); short protein forms V1025I.
Identifiers: ClinVar variation 4756903 (VCV004756903.1).